The following is an entry in ClinVar:

NM_003242.6(TGFBR2):c.1525-5T>C

Gene: TGFBR2 (transforming growth factor beta receptor 2; plus strand). Cytogenetic location: 3p24.1.
Variant type: single nucleotide variant.
Coding change: c.1525-5T>C on transcript NM_003242.6 (MANE Select); 5 bases into the intron before coding-DNA position 1525, T replaced by C.
Molecular consequence: intron variant.
Genome position (GRCh38, 1-based): chr3:30,691,415, T>C. VCF-style: chr3-30691415-T-C. GRCh37 (hg19) VCF-style: chr3-30732907-T-C.
Other names: c.1633-5T>C (NM_001407127.1); c.1552-5T>C (NM_001407128.1); c.1522-5T>C (NM_001407130.1); c.1165-5T>C (NM_001407138.1); c.1528-5T>C (NM_001407129.1); c.1420-5T>C (NM_001407132.1, NM_001407136.1, NM_001407133.1 and 2 more transcripts); c.1708-5T>C (NM_001407126.1); c.1600-5T>C (NM_001024847.3); and 2 more.
Identifiers: ClinVar variation 389825 (VCV000389825.9), dbSNP rs770896804, ClinGen allele CA046981.
Genomic context (GRCh38, chr3:30,691,415, plus strand): 5'-GGCCACCTTGCCTTCCGCGGAGCCCACCAACTCATGGTGCCCTTTGGATCTCTTTCCCGC[T>C]ACAGGGCATCCAGATGGTGTGTGAGACGTTGACTGAGTGCTGGGACCACGACCCAGAGGC-3'

ClinVar aggregate classification (germline): Likely benign. Review status: criteria provided, multiple submitters, no conflicts (2 of 4 stars). 2 submissions from 2 submitters: Likely benign (2). Last evaluated 2022-11-01.

Conditions:
Familial thoracic aortic aneurysm and aortic dissection (TAAD). Also called: Thoracic aortic aneurysms and dissections. Identifiers: Orphanet 91387, MedGen C4707243, MONDO:0019625.

Allele frequency attached by ClinVar (database versions not stated): gnomAD 0.00001; gnomAD exomes 0.00001; TOPMed 0.00001; ExAC 0.00002.
gnomAD v4.1: 6 of 1,613,818 alleles (0.00037%); highest among the groups gnomAD compares: Non-Finnish European, 0.00051%; no homozygotes.

Submissions (2):

Labcorp Genetics (formerly Invitae), Labcorp
Classification: Likely benign for Familial thoracic aortic aneurysm and aortic dissection. Last evaluated: 2022-11-01. Review status: criteria provided, single submitter. Criteria: Invitae Variant Classification Sherloc (09022015). Collection method: clinical testing. Allele origin: germline.

GeneDx
Classification: Likely benign. Last evaluated: 2016-10-07. Review status: criteria provided, single submitter. Criteria: GeneDx Variant Classification (06012015). Collection method: clinical testing. Allele origin: germline. Affected: yes.
Comment: This variant is considered likely benign or benign based on one or more of the following criteria: it is a conservative change, it occurs at a poorly conserved position in the protein, it is predicted to be benign by multiple in silico algorithms, and/or has population frequency not consistent with disease.